The following is an entry in ClinVar:

NM_000059.4(BRCA2):c.9106C>A (p.Gln3036Lys)

Gene: BRCA2 (BRCA2 DNA repair associated; plus strand). Cytogenetic location: 13q13.1.
Variant type: single nucleotide variant.
Coding change: c.9106C>A on transcript NM_000059.4 (MANE Select); coding-DNA position 9106, C replaced by A.
Protein change: p.Gln3036Lys; replaces glutamine 3036 with lysine.
Molecular consequence: missense variant.
Genome position (GRCh38, 1-based): chr13:32,379,902, C>A. VCF-style: chr13-32379902-C-A. GRCh37 (hg19) VCF-style: chr13-32954039-C-A.
Other names: short protein forms Q3036K.
Identifiers: ClinVar variation 185490 (VCV000185490.3), dbSNP rs202155613, ClinGen allele CA025982.

ClinVar aggregate classification (germline): Uncertain significance (1 of 4 stars; one submission).

Conditions:
Hereditary cancer-predisposing syndrome. Also called: Hereditary neoplastic syndrome; Neoplastic Syndromes, Hereditary; Tumor predisposition; Hereditary Cancer Syndrome. Identifiers: Orphanet 140162, MedGen C0027672, MeSH D009386, MONDO:0015356.

Submission:

Ambry Genetics
Classification: Uncertain significance for Hereditary cancer-predisposing syndrome. Last evaluated: 2014-06-28. Review status: criteria provided, single submitter. Criteria: Ambry Autosomal Dominant and X-Linked criteria (10/2015). Collection method: clinical testing. Allele origin: germline. Observed: 1 variant allele.
Comment: The p.Q3036K variant (also known as c.9106C>A and<span style="background-color: initial;">9334C>A<span style="background-color: initial;">), located in coding exon 22 of the <em style="background-color: initial;">BRCA2<span style="background-color: initial;"> gene, results from a C to A substitution at nucleotide position 9106. The glutamine at codon 3036 is replaced by lysine, an amino acid with similar properties. This variant was not reported in population based cohorts in the following databases: Database of Single Nucleotide Polymorphisms (dbSNP), NHLBI Exome Sequencing Project (ESP), and 1000 Genomes Project. In the ESP, this variant was not observed in 6502 samples (13,004 alleles) with coverage at this position.<span style="background-color: initial;">To date, this alteration has been detected with an allele frequency of approximately 0.002% (greater than 42,000 alleles tested) in our clinical cohort (includes this individual).<span style="background-color: initial;">This amino acid position is well conserved in available vertebrate species. In addition, this alteration is predicted to be possibly damaging by PolyPhen but tolerated by SIFT <em style="background-color: initial;">in silico<span style="background-color: initial;"> analyses.<span style="background-color: initial;">Since supporting evidence is limited at this time, the clinical significance of p.Q3036K remains unclear.